The following is an entry in ClinVar:

NM_004415.4(DSP):c.5209G>A (p.Gly1737Arg)

Gene: DSP (desmoplakin; plus strand). Cytogenetic location: 6p24.3.
Variant type: single nucleotide variant.
Coding change: c.5209G>A on transcript NM_004415.4 (MANE Select); coding-DNA position 5209, G replaced by A.
Protein change: p.Gly1737Arg; replaces glycine 1737 with arginine.
Molecular consequence: missense variant. On other transcripts: intron variant (2).
Genome position (GRCh38, 1-based): chr6:7,581,399, G>A. VCF-style: chr6-7581399-G-A. GRCh37 (hg19) VCF-style: chr6-7581632-G-A.
Other names: c.4050+1159G>A (NM_001319034.2); c.3583-1243G>A (NM_001008844.3); short protein forms G1737R.
Identifiers: ClinVar variation 3758573 (VCV003758573.1).

ClinVar aggregate classification (germline): Uncertain significance (1 of 4 stars; one submission).

Conditions:
Arrhythmogenic cardiomyopathy with wooly hair and keratoderma. Also called: PALMOPLANTAR KERATODERMA WITH LEFT VENTRICULAR CARDIOMYOPATHY AND WOOLLY HAIR; Carvajal syndrome; Dilated cardiomyopathy with woolly hair and keratoderma; Arrhythmogenic cardiomyopathy with woolly hair and keratoderma. Identifiers: Orphanet 65282, MedGen C1854063, MONDO:0011581, OMIM 605676.
Arrhythmogenic right ventricular dysplasia 8 (ARVD8). Also called: Arrhythmogenic Right Ventricular Dysplasia/Cardiomyopathy 8; ARRHYTHMOGENIC RIGHT VENTRICULAR DYSPLASIA, FAMILIAL, 8; ARRHYTHMOGENIC RIGHT VENTRICULAR CARDIOMYOPATHY 8. Identifiers: MedGen C1843896, MONDO:0011831, OMIM 607450.

Submission:

Labcorp Genetics (formerly Invitae), Labcorp
Classification: Uncertain significance for Arrhythmogenic cardiomyopathy with wooly hair and keratoderma; Arrhythmogenic right ventricular dysplasia 8. Last evaluated: 2025-01-28. Review status: criteria provided, single submitter. Criteria: Invitae Variant Classification Sherloc (09022015). Collection method: clinical testing. Allele origin: germline.
Comment: This sequence change replaces glycine, which is neutral and non-polar, with arginine, which is basic and polar, at codon 1737 of the DSP protein (p.Gly1737Arg). This variant is not present in population databases (gnomAD no frequency). This variant has not been reported in the literature in individuals affected with DSP-related conditions. An algorithm developed to predict the effect of missense changes on protein structure and function (PolyPhen-2) suggests that this variant¬¨‚Ä†is likely to be tolerated. In summary, the available evidence is currently insufficient to determine the role of this variant in disease. Therefore, it has been classified as a Variant of Uncertain Significance.